The following is an entry in ClinVar:

ClinVar aggregate classification (germline): Uncertain significance. Review status: criteria provided, multiple submitters, no conflicts (2 of 4 stars). 4 submissions from 4 submitters: Uncertain significance (4). Last evaluated 2025-10-22.

Conditions:
Familial focal epilepsy with variable foci (FPEVF). Identifiers: Orphanet 98820, MedGen C1858477, MONDO:0020310.
Inborn genetic diseases. Identifiers: MedGen C0950123, MeSH D030342.

Allele frequency attached by ClinVar (database versions not stated): ExAC 0.00001; gnomAD 0.00001; gnomAD exomes 0.00001; TOPMed 0.00002.
gnomAD v4.1: 19 of 1,613,996 alleles (0.0012%); highest among the groups gnomAD compares: Non-Finnish European, 0.0016%; no homozygotes.

Submissions (4):

Labcorp Genetics (formerly Invitae), Labcorp
Classification: Uncertain significance for Familial focal epilepsy with variable foci. Last evaluated: 2025-10-22. Review status: criteria provided, single submitter. Criteria: Invitae Variant Classification Sherloc (09022015). Collection method: clinical testing. Allele origin: germline.
Comment: This sequence change replaces aspartic acid, which is acidic and polar, with glutamic acid, which is acidic and polar, at codon 1433 of the DEPDC5 protein (p.Asp1433Glu). This variant is present in population databases (rs753759814, gnomAD 0.01%). This variant has not been reported in the literature in individuals affected with DEPDC5-related conditions. ClinVar contains an entry for this variant (Variation ID: 837601). Experimental studies and prediction algorithms are not available or were not evaluated, and the functional significance of this variant is currently unknown. In summary, the available evidence is currently insufficient to determine the role of this variant in disease. Therefore, it has been classified as a Variant of Uncertain Significance.

Athena Diagnostics
Classification: Uncertain significance. Last evaluated: 2024-12-13. Review status: criteria provided, single submitter. Criteria: Athena Diagnostics Criteria. Collection method: clinical testing. Allele origin: unknown.

GeneDx
Classification: Uncertain significance. Last evaluated: 2024-09-11. Review status: criteria provided, single submitter. Criteria: GeneDx Variant Classification Process June 2021. Collection method: clinical testing. Allele origin: germline. Affected: yes.
Comment: In silico analysis supports that this missense variant has a deleterious effect on protein structure/function; Has not been previously published as pathogenic or benign to our knowledge

Ambry Genetics
Classification: Uncertain significance for Inborn genetic diseases. Last evaluated: 2023-08-19. Review status: criteria provided, single submitter. Criteria: Ambry Variant Classification Scheme 2023. Collection method: clinical testing. Allele origin: germline.

NM_001242896.3(DEPDC5):c.4299C>A (p.Asp1433Glu)

Gene: DEPDC5 (DEP domain containing 5, GATOR1 subcomplex subunit; plus strand). Cytogenetic location: 22q12.3.
Variant type: single nucleotide variant.
Coding change: c.4299C>A on transcript NM_001242896.3 (MANE Select); coding-DNA position 4299, C replaced by A.
Protein change: p.Asp1433Glu; replaces aspartic acid 1433 with glutamic acid.
Molecular consequence: missense variant. On other transcripts: non-coding transcript variant (5).
Genome position (GRCh38, 1-based): chr22:31,897,577, C>A. VCF-style: chr22-31897577-C-A. GRCh37 (hg19) VCF-style: chr22-32293563-C-A.
Other names: c.4272C>A, p.Asp1424Glu (NM_001136029.4); c.3999C>A, p.Asp1333Glu (NM_001242897.2); c.4233C>A, p.Asp1411Glu (NM_001363852.2, NM_001364320.2); c.4065C>A, p.Asp1355Glu (NM_001363854.2, NM_001364319.2); c.4299C>A, p.Asp1433Glu (NM_001364318.2); c.4215C>A, p.Asp1405Glu (NM_001369901.1, NM_001369902.1); c.4206C>A, p.Asp1402Glu (NM_001369903.1, NM_014662.6); short protein forms D1355E, D1424E, D1402E, D1333E, D1405E, D1411E, D1433E.
Identifiers: ClinVar variation 837601 (VCV000837601.13), dbSNP rs753759814, ClinGen allele CA10197209.